The following is an entry in ClinVar:

ClinVar aggregate classification (germline): Uncertain significance (1 of 4 stars; one submission).

Allele frequency attached by ClinVar (database versions not stated): gnomAD exomes below 0.00001.
gnomAD v4.1: 2 of 1,554,282 alleles (0.00013%); highest among the groups gnomAD compares: South Asian, 0.0012%; no homozygotes.

Submission:

Labcorp Genetics (formerly Invitae), Labcorp
Classification: Uncertain significance. Last evaluated: 2022-02-22. Review status: criteria provided, single submitter. Criteria: Invitae Variant Classification Sherloc (09022015). Collection method: clinical testing. Allele origin: germline.
Comment: This sequence change replaces serine, which is neutral and polar, with phenylalanine, which is neutral and non-polar, at codon 620 of the MKL1 protein (p.Ser620Phe). This variant is not present in population databases (gnomAD no frequency). This variant has not been reported in the literature in individuals affected with MKL1-related conditions. Algorithms developed to predict the effect of missense changes on protein structure and function are either unavailable or do not agree on the potential impact of this missense change (SIFT: "Deleterious"; PolyPhen-2: "Benign"; Align-GVGD: "Class C0"). In summary, the available evidence is currently insufficient to determine the role of this variant in disease. Therefore, it has been classified as a Variant of Uncertain Significance.

NM_020831.6(MRTFA):c.2159C>T (p.Ser720Phe)

Gene: MRTFA (myocardin related transcription factor A; minus strand). Cytogenetic location: 22q13.1.
Variant type: single nucleotide variant.
Coding change: c.2159C>T on transcript NM_020831.6 (MANE Select); coding-DNA position 2159, C replaced by T.
Protein change: p.Ser720Phe; replaces serine 720 with phenylalanine.
Molecular consequence: missense variant.
Genome position (GRCh38, 1-based): chr22:40,418,579, G>A on the plus strand (C>T on the coding strand, the complement: MRTFA is on the minus strand). VCF-style: chr22-40418579-G-A. GRCh37 (hg19) VCF-style: chr22-40814583-G-A.
Other names: c.1859C>T, p.Ser620Phe (NM_001282660.2); c.2009C>T, p.Ser670Phe (NM_001282661.3); c.2159C>T, p.Ser720Phe (NM_001282662.3); c.1964C>T, p.Ser655Phe (NM_001318139.2); short protein forms S620F, S670F, S655F, S720F.
Identifiers: ClinVar variation 2102010 (VCV002102010.4), dbSNP rs1284522255, ClinGen allele CA411658051.